The following is an entry in ClinVar:

NM_032482.3(DOT1L):c.4606+635C>T

Gene: DOT1L (DOT1 like histone lysine methyltransferase; plus strand). Cytogenetic location: 19p13.3.
Variant type: single nucleotide variant.
Coding change: c.4606+635C>T on transcript NM_032482.3 (MANE Select); 635 bases into the intron after coding-DNA position 4606, C replaced by T.
Molecular consequence: intron variant. On other transcripts: synonymous variant (1).
Genome position (GRCh38, 1-based): chr19:2,227,762, C>T. VCF-style: chr19-2227762-C-T. GRCh37 (hg19) VCF-style: chr19-2227761-C-T.
Other names: c.4632C>T, p.Ser1544= (NM_001411141.1).
Identifiers: ClinVar variation 5040855 (VCV005040855.1).

ClinVar aggregate classification (germline): Likely benign (1 of 4 stars; one submission).

gnomAD v4.1: 97 of 1,319,782 alleles (0.0073%); highest among the groups gnomAD compares: Middle Eastern, 0.095%; 1 homozygote.

Submission:

CeGaT Center for Human Genetics Tuebingen
Classification: Likely benign. Last evaluated: 2026-09-01. Review status: criteria provided, single submitter. Criteria: CeGaT Center For Human Genetics Tuebingen Variant Classification Criteria Version 2. Collection method: clinical testing. Allele origin: germline. Affected: yes. Observed: 1 variant allele.
Comment: DOT1L: BP4, BP7